The following is an entry in ClinVar:

ClinVar aggregate classification (germline): Benign/Likely benign. Review status: criteria provided, multiple submitters, no conflicts (2 of 4 stars). 5 submissions from 5 submitters: Benign (3); Likely benign (2). Last evaluated 2026-01-30.

Conditions:
Primary ciliary dyskinesia. Also called: Ciliary dyskinesia. Identifiers: Orphanet 244, MedGen C0008780, MONDO:0016575, HP:0012265.
Primary ciliary dyskinesia 7. Also called: CILIARY DYSKINESIA, PRIMARY, 7, WITH OR WITHOUT SITUS INVERSUS. Identifiers: Orphanet 244, MedGen C2678473, MONDO:0012748, OMIM 611884.

Allele frequency attached by ClinVar (database versions not stated): gnomAD exomes 0.00104; ExAC 0.00120; ESP Exome Variant Server 0.00356; gnomAD 0.00380 and 0.00401; TOPMed 0.00413; 1000 Genomes Project 0.00579; 1000 Genomes Project 30x 0.00687.
gnomAD v4.1: 1,270 of 1,613,416 alleles (0.079%); highest among the groups gnomAD compares: African/African-American, 1.3%; 7 homozygotes.

Submissions (5):

Labcorp Genetics (formerly Invitae), Labcorp
Classification: Benign for Primary ciliary dyskinesia. Last evaluated: 2026-01-30. Review status: criteria provided, single submitter. Criteria: Invitae Variant Classification Sherloc (09022015). Collection method: clinical testing. Allele origin: germline.

ARUP Laboratories, Molecular Genetics and Genomics, ARUP Laboratories
Classification: Likely benign for Primary ciliary dyskinesia 7. Last evaluated: 2024-10-18. Review status: criteria provided, single submitter. Criteria: ARUP Molecular Germline Variant Investigation Process 2024. Collection method: clinical testing. Allele origin: germline.

Blueprint Genetics
Classification: Likely benign. Last evaluated: 2024-10-18. Review status: criteria provided, single submitter. Criteria: ACMG Guidelines, 2015. Collection method: clinical testing. Allele origin: germline.

CeGaT Center for Human Genetics Tuebingen
Classification: Benign. Last evaluated: 2022-07-01. Review status: criteria provided, single submitter. Criteria: CeGaT Center For Human Genetics Tuebingen Variant Classification Criteria Version 2. Collection method: clinical testing. Allele origin: germline. Affected: yes. Observed: 1 variant allele.
Comment: DNAH11: BP4, BS1, BS2

PreventionGenetics, part of Exact Sciences
Classification: Benign. Review status: criteria provided, single submitter. Criteria: ACMG Guidelines, 2015. Collection method: clinical testing. Allele origin: germline.

NM_001277115.2(DNAH11):c.2380G>A (p.Glu794Lys)

Gene: DNAH11 (dynein axonemal heavy chain 11; plus strand). Cytogenetic location: 7p15.3.
Variant type: single nucleotide variant.
Coding change: c.2380G>A on transcript NM_001277115.2 (MANE Select); coding-DNA position 2380, G replaced by A.
Protein change: p.Glu794Lys; replaces glutamic acid 794 with lysine.
Molecular consequence: missense variant.
Genome position (GRCh38, 1-based): chr7:21,591,290, G>A. VCF-style: chr7-21591290-G-A. GRCh37 (hg19) VCF-style: chr7-21630908-G-A.
Other names: short protein forms E794K.
Identifiers: ClinVar variation 257878 (VCV000257878.44), dbSNP rs78653098, ClinGen allele CA4179322.